The following is an entry in ClinVar:

NM_004380.3(CREBBP):c.7162G>A (p.Ala2388Thr)

Gene: CREBBP (CREB binding lysine acetyltransferase; minus strand). Cytogenetic location: 16p13.3.
Variant type: single nucleotide variant.
Coding change: c.7162G>A on transcript NM_004380.3 (MANE Select); coding-DNA position 7162, G replaced by A.
Protein change: p.Ala2388Thr; replaces alanine 2388 with threonine.
Molecular consequence: missense variant.
Genome position (GRCh38, 1-based): chr16:3,727,885, C>T on the plus strand (G>A on the coding strand, the complement: CREBBP is on the minus strand). VCF-style: chr16-3727885-C-T. GRCh37 (hg19) VCF-style: chr16-3777886-C-T.
Other names: c.7048G>A, p.Ala2350Thr (NM_001079846.1); short protein forms A2388T, A2350T.
Identifiers: ClinVar variation 587495 (VCV000587495.8), dbSNP rs756011865, ClinGen allele CA7868942.

ClinVar aggregate classification (germline): Conflicting classifications of pathogenicity. Review status: criteria provided, conflicting classifications (1 of 4 stars). 4 submissions from 4 submitters: Uncertain significance (2); Likely benign (2). Last evaluated 2026-01-24.

Conditions:
CREBBP-related disorder. Also called: CREBBP-related disorders; CREBBP-related condition.
Inborn genetic diseases. Identifiers: MedGen C0950123, MeSH D030342.
Rubinstein-Taybi syndrome due to CREBBP mutations (RSTS1). Also called: Rubinstein-Taybi syndrome 1; RUBINSTEIN-TAYBI SYNDROME 1, INCOMPLETE; BROAD THUMBS AND GREAT TOES, CHARACTERISTIC FACIES, AND IMPAIRED INTELLECTUAL DEVELOPMENT; BROAD THUMB-HALLUX SYNDROME; CREBBP-Related Rubinstein-Taybi Syndrome; RUBINSTEIN SYNDROME. Identifiers: Orphanet 353277, Orphanet 783, MedGen C4551859, MONDO:0008393, OMIM 180849.

Allele frequency attached by ClinVar (database versions not stated): ExAC 0.00002; gnomAD exomes 0.00002.
gnomAD v4.1: 29 of 1,613,274 alleles (0.0018%); highest among the groups gnomAD compares: Middle Eastern, 0.05%; no homozygotes.

Submissions (4):

PreventionGenetics, part of Exact Sciences
Classification: Likely benign for CREBBP-related condition. Last evaluated: 2026-01-24. Review status: criteria provided, single submitter. Criteria: ACMG Guidelines, 2015. Collection method: clinical testing. Allele origin: germline.
Comment: This variant is classified as likely benign based on ACMG/AMP sequence variant interpretation guidelines (Richards et al. 2015 PMID: 25741868, with internal and published modifications).

Women's Health and Genetics/Laboratory Corporation of America, LabCorp
Classification: Uncertain significance. Last evaluated: 2024-05-22. Review status: criteria provided, single submitter. Criteria: LabCorp Variant Classification Summary - May 2015. Collection method: clinical testing. Allele origin: germline.
Comment: Variant summary: CREBBP c.7162G>A (p.Ala2388Thr) results in a non-conservative amino acid change in the encoded protein sequence. Three of five in-silico tools predict a benign effect of the variant on protein function. The variant allele was found at a frequency of 2e-05 in 250864 control chromosomes. The available data on variant occurrences in the general population are insufficient to allow any conclusion about variant significance. To our knowledge, no occurrence of c.7162G>A in individuals affected with Rubinstein-Taybi Syndrome and no experimental evidence demonstrating its impact on protein function have been reported. ClinVar contains an entry for this variant (Variation ID: 587495). Based on the evidence outlined above, the variant was classified as uncertain significance.

Ambry Genetics
Classification: Likely benign for Inborn genetic diseases. Last evaluated: 2020-04-07. Review status: criteria provided, single submitter. Criteria: Ambry Variant Classification Scheme 2023. Collection method: clinical testing. Allele origin: germline.

Genomic Research Center, Shahid Beheshti University of Medical Sciences
Classification: Uncertain significance for Rubinstein-Taybi syndrome. Last evaluated: 2018-08-07. Review status: criteria provided, single submitter. Criteria: ACMG Guidelines, 2015. Collection method: clinical testing. Allele origin: inherited. Affected: yes. Observed: 1 variant allele.